The following is an entry in ClinVar:

NM_014000.3(VCL):c.1865G>A (p.Arg622Lys)

Gene: VCL (vinculin; plus strand). Cytogenetic location: 10q22.2.
Variant type: single nucleotide variant.
Coding change: c.1865G>A on transcript NM_014000.3 (MANE Select); coding-DNA position 1865, G replaced by A.
Protein change: p.Arg622Lys; replaces arginine 622 with lysine.
Molecular consequence: missense variant.
Genome position (GRCh38, 1-based): chr10:74,097,325, G>A. VCF-style: chr10-74097325-G-A. GRCh37 (hg19) VCF-style: chr10-75857083-G-A.
Other names: c.1865G>A, p.Arg622Lys (NM_003373.4); short protein forms R622K.
Identifiers: ClinVar variation 408946 (VCV000408946.10), dbSNP rs771590749, ClinGen allele CA5563097.

ClinVar aggregate classification (germline): Uncertain significance. Review status: criteria provided, multiple submitters, no conflicts (2 of 4 stars). 3 submissions from 3 submitters: Uncertain significance (3). Last evaluated 2026-06-18.

Conditions:
Cardiovascular phenotype. Identifiers: MedGen CN230736.
Hypertrophic cardiomyopathy 15. Identifiers: MedGen C2750459, MONDO:0013200, OMIM 613255.
Dilated cardiomyopathy 1W (CMD1W). Identifiers: Orphanet 154, MedGen C1969639, MONDO:0012667, OMIM 611407.

Allele frequency attached by ClinVar (database versions not stated): ExAC 0.00001; TOPMed 0.00002; gnomAD 0.00001; gnomAD exomes below 0.00001.

Submissions (3):

Ambry Genetics
Classification: Uncertain significance for Cardiovascular phenotype. Last evaluated: 2026-06-18. Review status: criteria provided, single submitter. Criteria: Ambry Variant Classification Scheme 2023. Collection method: clinical testing. Allele origin: germline.
Comment: The p.R622K variant (also known as c.1865G>A), located in coding exon 13 of the VCL gene, results from a G to A substitution at nucleotide position 1865. The arginine at codon 622 is replaced by lysine, an amino acid with highly similar properties. This amino acid position is conserved. In addition, the in silico prediction for this alteration is inconclusive. Based on the available evidence, the clinical significance of this variant remains unclear.

Labcorp Genetics (formerly Invitae), Labcorp
Classification: Uncertain significance for Dilated cardiomyopathy 1W. Last evaluated: 2022-03-19. Review status: criteria provided, single submitter. Criteria: Invitae Variant Classification Sherloc (09022015). Collection method: clinical testing. Allele origin: germline.
Comment: Algorithms developed to predict the effect of missense changes on protein structure and function are either unavailable or do not agree on the potential impact of this missense change (SIFT: "Not Available"; PolyPhen-2: "Probably Damaging"; Align-GVGD: "Not Available"). In summary, the available evidence is currently insufficient to determine the role of this variant in disease. Therefore, it has been classified as a Variant of Uncertain Significance. Algorithms developed to predict the effect of sequence changes on RNA splicing suggest that this variant may create or strengthen a splice site. ClinVar contains an entry for this variant (Variation ID: 408946). This variant has not been reported in the literature in individuals affected with VCL-related conditions. This variant is present in population databases (rs771590749, gnomAD 0.008%). This sequence change replaces arginine, which is basic and polar, with lysine, which is basic and polar, at codon 622 of the VCL protein (p.Arg622Lys).

Fulgent Genetics
Classification: Uncertain significance for Dilated cardiomyopathy 1W; Hypertrophic cardiomyopathy 15. Last evaluated: 2021-11-26. Review status: criteria provided, single submitter. Criteria: ACMG Guidelines, 2015. Collection method: clinical testing. Allele origin: unknown.